The following is an entry in ClinVar:

NM_001098.3(ACO2):c.1708C>A (p.Pro570Thr)

Genes: ACO2 (aconitase 2; plus strand), LOC130067544 (ATAC-STARR-seq lymphoblastoid active region 19118; plus strand). Cytogenetic location: 22q13.2.
Variant type: single nucleotide variant.
Coding change: c.1708C>A on transcript NM_001098.3 (MANE Select); coding-DNA position 1708, C replaced by A.
Protein change: p.Pro570Thr; replaces proline 570 with threonine.
Molecular consequence: missense variant.
Genome position (GRCh38, 1-based): chr22:41,525,295, C>A. VCF-style: chr22-41525295-C-A. GRCh37 (hg19) VCF-style: chr22-41921299-C-A.
Other names: c.1708C>A (NM_001098.2); short protein forms P570T.
Identifiers: ClinVar variation 1418114 (VCV001418114.35), dbSNP rs201742113, ClinGen allele CA10257750.
Genomic context (GRCh38, chr22:41,525,295, plus strand): 5'-GACAGCAGCGGGCAGCATGTGGACGTGAGCCCCACCAGCCAGCGCCTGCAGCTCCTGGAG[C>A]CTTTTGACAAGTGGGATGGCAAGGACCTGGAGGACCTGCAGATCCTCATCAAGGTCAGCA-3'
Protein context (NP_001089.1, residues 560-580): PTSQRLQLLE[Pro570Thr]FDKWDGKDLE

ClinVar aggregate classification (germline): Uncertain significance. Review status: criteria provided, multiple submitters, no conflicts (2 of 4 stars). 5 submissions from 5 submitters: Uncertain significance (4). 1 of the submissions does not count toward it. Last evaluated 2025-08-22.

Conditions:
ACO2-related disorder. Also called: ACO2-Related Disorders.
Inborn genetic diseases. Identifiers: MedGen C0950123, MeSH D030342.

Allele frequency attached by ClinVar (database versions not stated): ExAC 0.00006; gnomAD exomes 0.00008; gnomAD 0.00011; TOPMed 0.00011; ESP Exome Variant Server 0.00015.
gnomAD v4.1: 131 of 1,613,954 alleles (0.0081%); highest among the groups gnomAD compares: Non-Finnish European, 0.0095%; no homozygotes.

Submissions (5):

Labcorp Genetics (formerly Invitae), Labcorp
Classification: Uncertain significance. Last evaluated: 2025-08-22. Review status: criteria provided, single submitter. Criteria: Invitae Variant Classification Sherloc (09022015). Collection method: clinical testing. Allele origin: germline.
Comment: This sequence change replaces proline, which is neutral and non-polar, with threonine, which is neutral and polar, at codon 570 of the ACO2 protein (p.Pro570Thr). This variant is present in population databases (rs201742113, gnomAD 0.02%). This missense change has been observed in individual(s) with optic atrophy (PMID: 37734845). ClinVar contains an entry for this variant (Variation ID: 1418114). Invitae Evidence Modeling of protein sequence and biophysical properties (such as structural, functional, and spatial information, amino acid conservation, physicochemical variation, residue mobility, and thermodynamic stability) indicates that this missense variant is not expected to disrupt ACO2 protein function with a negative predictive value of 80%. In summary, the available evidence is currently insufficient to determine the role of this variant in disease. Therefore, it has been classified as a Variant of Uncertain Significance.

Blueprint Genetics
Classification: Uncertain significance. Last evaluated: 2024-02-27. Review status: criteria provided, single submitter. Criteria: ACMG Guidelines, 2015. Collection method: clinical testing. Allele origin: germline.

CeGaT Center for Human Genetics Tuebingen
Classification: Uncertain significance. Last evaluated: 2023-08-01. Review status: criteria provided, single submitter. Criteria: CeGaT Center For Human Genetics Tuebingen Variant Classification Criteria Version 2. Collection method: clinical testing. Allele origin: germline. Affected: yes. Observed: 1 variant allele.
Comment: ACO2: PM2

Ambry Genetics
Classification: Uncertain significance for Inborn genetic diseases. Last evaluated: 2021-07-14. Review status: criteria provided, single submitter. Criteria: Ambry Variant Classification Scheme 2023. Collection method: clinical testing. Allele origin: germline.

PreventionGenetics, part of Exact Sciences
Classification: Uncertain significance for ACO2-related condition. Last evaluated: 2024-01-22. Review status: no assertion criteria provided. Collection method: clinical testing. Allele origin: germline. Not counted in ClinVar's aggregate classification.
Comment: The ACO2 c.1708C>A variant is predicted to result in the amino acid substitution p.Pro570Thr. To our knowledge, this variant has not been reported in the literature. This variant is reported in 0.029% of alleles in individuals of Ashkenazi Jewish descent in gnomAD. At this time, the clinical significance of this variant is uncertain due to the absence of conclusive functional and genetic evidence.

Literature cited by the submitters: PubMed 37734845 (cited by Labcorp Genetics (formerly Invitae), Labcorp).